The following is an entry in ClinVar:

NM_001142800.2(EYS):c.1871C>T (p.Ser624Leu)

Gene: EYS (EGF-like photoreceptor maintenance factor; minus strand). Cytogenetic location: 6q12.
Variant type: single nucleotide variant.
Coding change: c.1871C>T on transcript NM_001142800.2 (MANE Select); coding-DNA position 1871, C replaced by T.
Protein change: p.Ser624Leu; replaces serine 624 with leucine.
Molecular consequence: missense variant.
Genome position (GRCh38, 1-based): chr6:65,296,015, G>A on the plus strand (C>T on the coding strand, the complement: EYS is on the minus strand). VCF-style: chr6-65296015-G-A. GRCh37 (hg19) VCF-style: chr6-66005908-G-A.
Other names: c.1871C>T, p.Ser624Leu (NM_001292009.2); short protein forms S624L.
Identifiers: ClinVar variation 632494 (VCV000632494.12), dbSNP rs548565748, ClinGen allele CA3877365.

ClinVar aggregate classification (germline): Uncertain significance. Review status: criteria provided, multiple submitters, no conflicts (2 of 4 stars). 5 submissions from 5 submitters: Uncertain significance (4). 1 of the submissions does not count toward it. Last evaluated 2025-07-28.

Conditions:
Retinitis pigmentosa (RP). Identifiers: Orphanet 791, MedGen C0035334, MeSH D012174, MONDO:0019200, OMIM 268000. Inheritance: Autosomal dominant, autosomal recessive and X linked inheritance.
EYS-related disorder. Also called: EYS-related condition.

Allele frequency attached by ClinVar (database versions not stated): gnomAD 0.00001 and 0.00005; TOPMed 0.00004; gnomAD exomes 0.00006 and 0.00018; 1000 Genomes Project 30x 0.00016; ExAC 0.00018; 1000 Genomes Project 0.00020.
gnomAD v4.1: 93 of 1,551,156 alleles (0.006%); highest among the groups gnomAD compares: South Asian, 0.079%; no homozygotes.

Submissions (5):

PreventionGenetics, part of Exact Sciences
Classification: Uncertain significance for EYS-related condition. Last evaluated: 2025-07-28. Review status: criteria provided, single submitter. Criteria: ACMG Guidelines, 2015. Collection method: clinical testing. Allele origin: germline.
Comment: The EYS c.1871C>T variant is predicted to result in the amino acid substitution p.Ser624Leu. This variant has been reported in the homozygous state in an individual with retinitis pigmentosa (Di et al. 2016. PubMed ID: 26787102). This variant is reported in 0.083% of alleles in individuals of South Asian descent in gnomAD. At this time, the clinical significance of this variant is uncertain due to the absence of conclusive functional and genetic evidence.

Labcorp Genetics (formerly Invitae), Labcorp
Classification: Uncertain significance. Last evaluated: 2025-01-15. Review status: criteria provided, single submitter. Criteria: Invitae Variant Classification Sherloc (09022015). Collection method: clinical testing. Allele origin: germline.
Comment: This sequence change replaces serine, which is neutral and polar, with leucine, which is neutral and non-polar, at codon 624 of the EYS protein (p.Ser624Leu). This variant is present in population databases (rs548565748, gnomAD 0.08%). This missense change has been observed in individual(s) with retinitis pigmentosa (PMID: 26787102). ClinVar contains an entry for this variant (Variation ID: 632494). Invitae Evidence Modeling of protein sequence and biophysical properties (such as structural, functional, and spatial information, amino acid conservation, physicochemical variation, residue mobility, and thermodynamic stability) indicates that this missense variant is not expected to disrupt EYS protein function with a negative predictive value of 80%. In summary, the available evidence is currently insufficient to determine the role of this variant in disease. Therefore, it has been classified as a Variant of Uncertain Significance.

Blueprint Genetics
Classification: Uncertain significance. Last evaluated: 2023-06-20. Review status: criteria provided, single submitter. Criteria: ACMG Guidelines, 2015. Collection method: clinical testing. Allele origin: germline.

Women's Health and Genetics/Laboratory Corporation of America, LabCorp
Classification: Uncertain significance. Last evaluated: 2022-09-26. Review status: criteria provided, single submitter. Criteria: LabCorp Variant Classification Summary - May 2015. Collection method: clinical testing. Allele origin: germline.
Comment: Variant summary: EYS c.1871C>T (p.Ser624Leu) results in a non-conservative amino acid change located in the EGF-like domain (IPR000742) of the encoded protein sequence. Four of five in-silico tools predict a benign effect of the variant on protein function. The variant allele was found at a frequency of 0.00018 in 157330 control chromosomes, predominantly at a frequency of 0.00083 within the South Asian subpopulation in the gnomAD database. This frequency is not significantly higher than expected for a pathogenic variant in EYS causing Retinitis Pigmentosa (0.00018 vs 0.0034), allowing no conclusion about variant significance. c.1871C>T has been reported in the literature as a homozygous genotype in two siblings affected with Retinitis Pigmentosa (e.g. Di_2016). The unaffected father was confirmed as a heterozygous carrier however no other family members were available for genetic analysis. This report does not provide unequivocal conclusions about association of the variant with Retinitis Pigmentosa. To our knowledge, no experimental evidence demonstrating an impact on protein function has been reported. Three clinical diagnostic laboratories have submitted clinical-significance assessments for this variant to ClinVar after 2014 and all classified the variant as uncertain significance. Based on the evidence outlined above, the variant was classified as uncertain significance.

Natera, Inc.
Classification: Uncertain significance for Retinitis pigmentosa. Last evaluated: 2020-09-16. Review status: no assertion criteria provided. Collection method: clinical testing. Allele origin: germline. Not counted in ClinVar's aggregate classification.

Literature cited by the submitters: PubMed 26787102 (cited by Labcorp Genetics (formerly Invitae), Labcorp and Women's Health and Genetics/Laboratory Corporation of America, LabCorp).